The following is an entry in ClinVar:

NM_022455.5(NSD1):c.26G>T (p.Arg9Ile)

Gene: NSD1 (nuclear receptor binding SET domain protein 1; plus strand). Cytogenetic location: 5q35.3.
Variant type: single nucleotide variant.
Coding change: c.26G>T on transcript NM_022455.5 (MANE Select); coding-DNA position 26, G replaced by T.
Protein change: p.Arg9Ile; replaces arginine 9 with isoleucine.
Molecular consequence: missense variant.
Genome position (GRCh38, 1-based): chr5:177,135,129, G>T. VCF-style: chr5-177135129-G-T. GRCh37 (hg19) VCF-style: chr5-176562130-G-T.
Other names: c.-108G>T (NM_001365684.2, NM_001409305.1, NM_001409306.1 and 4 more transcripts); c.26G>T, p.Arg9Ile (NM_001409301.1, NM_001409302.1, NM_001409303.1 and 1 more transcripts); short protein forms R9I.
Identifiers: ClinVar variation 1708077 (VCV001708077.3), dbSNP rs1756203781, ClinGen allele CA362290026.

ClinVar aggregate classification (germline): Conflicting classifications of pathogenicity. Review status: criteria provided, conflicting classifications (1 of 4 stars). 2 submissions from 2 submitters: Uncertain significance (1); Likely benign (1). Last evaluated 2026-01-27.

Conditions:
Sotos syndrome (SOTOS). Also called: Sotos' syndrome; Distinctive facial appearance, overgrowth in childhood, and learning disabilities or delayed development; CHROMOSOME 5q35 DELETION SYNDROME; CEREBRAL GIGANTISM; SOTOS SYNDROME 1. Identifiers: Orphanet 821, MedGen C0175695, MONDO:0019349, OMIM 117550.

Allele frequency attached by ClinVar (database versions not stated): gnomAD exomes below 0.00001; TOPMed below 0.00001; gnomAD 0.00001.
gnomAD v4.1: 3 of 1,614,092 alleles (0.00019%); highest among the groups gnomAD compares: Middle Eastern, 0.016%; no homozygotes.

Submissions (2):

Labcorp Genetics (formerly Invitae), Labcorp
Classification: Uncertain significance. Last evaluated: 2026-01-27. Review status: criteria provided, single submitter. Criteria: Invitae Variant Classification Sherloc (09022015). Collection method: clinical testing. Allele origin: germline.
Comment: This sequence change replaces arginine, which is basic and polar, with isoleucine, which is neutral and non-polar, at codon 9 of the NSD1 protein (p.Arg9Ile). This variant is not present in population databases (gnomAD no frequency). This variant has not been reported in the literature in individuals affected with NSD1-related conditions. ClinVar contains an entry for this variant (Variation ID: 1708077). Invitae Evidence Modeling of protein sequence and biophysical properties (such as structural, functional, and spatial information, amino acid conservation, physicochemical variation, residue mobility, and thermodynamic stability) indicates that this missense variant is not expected to disrupt NSD1 protein function with a negative predictive value of 95%. In summary, the available evidence is currently insufficient to determine the role of this variant in disease. Therefore, it has been classified as a Variant of Uncertain Significance.

Laboratory of Medical Genetics, National & Kapodistrian University of Athens
Classification: Likely benign for Sotos syndrome. Last evaluated: 2022-02-11. Review status: criteria provided, single submitter. Criteria: ACMG Guidelines, 2015. Collection method: clinical testing. Allele origin: maternal. Affected: yes.
Comment: BS2, PM2, PP2, PP3